The following is an entry in ClinVar:

NM_203288.2(RP9):c.664del (p.Ter222AspextTer?)

Gene: RP9 (RP9 pre-mRNA splicing factor; minus strand). Cytogenetic location: 7p14.3.
Variant type: Deletion.
Coding change: c.664del on transcript NM_203288.2 (MANE Select); coding-DNA position 664, one base deleted (T; older notation c.664delT).
Protein change: p.Ter222AspextTer?.
Molecular consequence: frameshift variant, stop lost.
Genome position (GRCh38, 1-based): chr7:33,095,236, A deleted on the plus strand (T on the coding strand, the reverse complement: RP9 is on the minus strand). VCF-style (leftmost placement, unchanged base first): chr7-33095235-CA-C. GRCh37 (hg19) VCF-style: chr7-33134847-CA-C.
Other names: c.664del (NM_203288.1).
Identifiers: ClinVar variation 198295 (VCV000198295.44), dbSNP rs553265417, ClinGen allele CA203355.
Genomic context (GRCh38, chr7:33,095,235, plus strand): 5'-TCTTCCTCTGTTCCTTGGTCAGTGTTTGAGAAGAGAATGTTGAACAAGTCACATCCTTGT[CA>C]CTCTGAGTCAGAACCCTCATTTGACTTGGAAGATTTGTGCTTCCGTTTTTTCTTCTTTTT-3'

ClinVar aggregate classification (germline): Benign/Likely benign. Review status: criteria provided, multiple submitters, no conflicts (2 of 4 stars). 6 submissions from 6 submitters: Benign (5); Likely benign (1). Last evaluated 2024-08-01.

Conditions:
Retinal dystrophy. Also called: Inherited retinal dystrophy. Identifiers: Orphanet 71862, MedGen C0854723, MeSH D058499, MONDO:0019118, HP:0000556.
Retinitis pigmentosa 9 (RP9). Identifiers: Orphanet 791, MedGen C1867300, MONDO:0008378, OMIM 180104.

Allele frequency attached by ClinVar (database versions not stated): 1000 Genomes Project 0.00519; TOPMed 0.00734; gnomAD exomes 0.00753; gnomAD 0.00767 and 0.00773; ExAC 0.00781; ESP Exome Variant Server 0.00890.

Submissions (6):

CeGaT Center for Human Genetics Tuebingen
Classification: Likely benign. Last evaluated: 2024-08-01. Review status: criteria provided, single submitter. Criteria: CeGaT Center For Human Genetics Tuebingen Variant Classification Criteria Version 2. Collection method: clinical testing. Allele origin: germline. Affected: yes. Observed: 5 variant alleles.
Comment: RP9: PM4, BS1, BS2

Labcorp Genetics (formerly Invitae), Labcorp
Classification: Benign. Last evaluated: 2019-12-31. Review status: criteria provided, single submitter. Criteria: Invitae Variant Classification Sherloc (09022015). Collection method: clinical testing. Allele origin: germline.

Mendelics
Classification: Benign for Retinitis pigmentosa 9. Last evaluated: 2019-05-28. Review status: criteria provided, single submitter. Criteria: Mendelics Assertion Criteria 2017. Collection method: clinical testing. Allele origin: unknown.

ARUP Laboratories, Molecular Genetics and Genomics, ARUP Laboratories
Classification: Benign. Last evaluated: 2017-05-18. Review status: criteria provided, single submitter. Criteria: ARUP Molecular Germline Variant Investigation Process. Collection method: clinical testing. Allele origin: germline.

Eurofins Ntd Llc (ga)
Classification: Benign. Last evaluated: 2015-05-05. Review status: criteria provided, single submitter. Criteria: EGL Classification Definitions 2015. Collection method: clinical testing. Allele origin: germline. Observed: 1 variant allele, 1 heterozygote.

Institute of Human Genetics, Univ. Regensburg, Univ. Regensburg
Classification: Benign for Retinal dystrophy. Last evaluated: 2013-01-01. Review status: criteria provided, single submitter. Criteria: ACMG Guidelines, 2015. Collection method: clinical testing. Allele origin: germline. Affected: yes.

Literature cited by the submitters: PubMed 12032732 (cited by Eurofins Ntd Llc (ga)); PubMed 23591405 (cited by Institute of Human Genetics, Univ. Regensburg, Univ. Regensburg); PubMed 3181667 (cited by Institute of Human Genetics, Univ. Regensburg, Univ. Regensburg).